The following is an entry in ClinVar:

NM_005032.7(PLS3):c.8A>C (p.Glu3Ala)

Gene: PLS3 (plastin 3; plus strand). Cytogenetic location: Xq23.
Variant type: single nucleotide variant.
Coding change: c.8A>C on transcript NM_005032.7 (MANE Select); coding-DNA position 8, A replaced by C.
Protein change: p.Glu3Ala; replaces glutamic acid 3 with alanine.
Molecular consequence: missense variant. On other transcripts: 5 prime UTR variant (2).
Genome position (GRCh38, 1-based): chrX:115,610,258, A>C. VCF-style: chrX-115610258-A-C. GRCh37 (hg19) VCF-style: chrX-114844570-A-C.
Other names: c.8A>C, p.Glu3Ala (NM_001136025.5, NM_001172335.3, NM_001440791.1 and 1 more transcripts); c.-178A>C (NM_001282337.2); c.-510A>C (NM_001282338.2); short protein forms E3A.
Identifiers: ClinVar variation 4697499 (VCV004697499.1).

ClinVar aggregate classification (germline): Uncertain significance (1 of 4 stars; one submission).

gnomAD v4.1: 25 of 1,147,757 alleles (0.0022%); highest among the groups gnomAD compares: African/African-American, 0.038%; no homozygotes.

Submission:

Labcorp Genetics (formerly Invitae), Labcorp
Classification: Uncertain significance. Last evaluated: 2025-11-06. Review status: criteria provided, single submitter. Criteria: Invitae Variant Classification Sherloc (09022015). Collection method: clinical testing. Allele origin: germline.
Comment: This sequence change replaces glutamic acid, which is acidic and polar, with alanine, which is neutral and non-polar, at codon 3 of the PLS3 protein (p.Glu3Ala). This variant is present in population databases (rs782203071, gnomAD 0.04%). This variant has not been reported in the literature in individuals affected with PLS3-related conditions. An algorithm developed to predict the effect of missense changes on protein structure and function (PolyPhen-2) suggests that this variant is likely to be tolerated. In summary, the available evidence is currently insufficient to determine the role of this variant in disease. Therefore, it has been classified as a Variant of Uncertain Significance.